The following is an entry in ClinVar:

ClinVar aggregate classification (germline): Uncertain significance (1 of 4 stars; one submission).

Conditions:
Brachyolmia-amelogenesis imperfecta syndrome. Also called: PLATYSPONDYLY WITH AMELOGENESIS IMPERFECTA; Tooth agenesis, selective, 6; Dental anomalies and short stature. Identifiers: Orphanet 2899, MedGen C1832594, MONDO:0011018, OMIM 601216. Disease mechanism: loss of function.

Allele frequency attached by ClinVar (database versions not stated): gnomAD exomes below 0.00001.
gnomAD v4.1: 1 of 1,522,884 alleles (0.000066%); highest among the groups gnomAD compares: Non-Finnish European, 0.000088%; no homozygotes.

Submission:

Labcorp Genetics (formerly Invitae), Labcorp
Classification: Uncertain significance for Brachyolmia-amelogenesis imperfecta syndrome. Last evaluated: 2022-03-11. Review status: criteria provided, single submitter. Criteria: Invitae Variant Classification Sherloc (09022015). Collection method: clinical testing. Allele origin: germline.
Comment: This variant is not present in population databases (gnomAD no frequency). This sequence change replaces alanine, which is neutral and non-polar, with valine, which is neutral and non-polar, at codon 1250 of the LTBP3 protein (p.Ala1250Val). This variant has not been reported in the literature in individuals affected with LTBP3-related conditions. Algorithms developed to predict the effect of missense changes on protein structure and function (SIFT, PolyPhen-2, Align-GVGD) all suggest that this variant is likely to be tolerated. In summary, the available evidence is currently insufficient to determine the role of this variant in disease. Therefore, it has been classified as a Variant of Uncertain Significance.

NM_001130144.3(LTBP3):c.3749C>T (p.Ala1250Val)

Gene: LTBP3 (latent transforming growth factor beta binding protein 3; minus strand). Cytogenetic location: 11q13.1.
Variant type: single nucleotide variant.
Coding change: c.3749C>T on transcript NM_001130144.3 (MANE Select); coding-DNA position 3749, C replaced by T.
Protein change: p.Ala1250Val; replaces alanine 1250 with valine.
Molecular consequence: missense variant.
Genome position (GRCh38, 1-based): chr11:65,539,339, G>A on the plus strand (C>T on the coding strand, the complement: LTBP3 is on the minus strand). VCF-style: chr11-65539339-G-A. GRCh37 (hg19) VCF-style: chr11-65306810-G-A.
Other names: c.3257C>T, p.Ala1086Val (NM_001164266.1); c.3608C>T, p.Ala1203Val (NM_021070.4); short protein forms A1203V, A1086V, A1250V.
Identifiers: ClinVar variation 2159502 (VCV002159502.4), dbSNP rs2496112258, ClinGen allele CA381266132.
Genomic context (GRCh38, chr11:65,539,339, plus strand): 5'-TCCTCACCACCGGCCCCGCCCCTGCCCCCACCCCCGAAGCCCGGCTCACCCACGCAGCGG[G>A]CGCGGGAGGCGTCGAGCTGGAAGCCGCCGGGACACTCGCACACGGCGCCGCCCGGCCGCG-3'
Protein context (NP_001123616.1, residues 1240-1260): PGGFQLDASR[Ala1250Val]RCVDIDECRE